The following is an entry in ClinVar:

NM_000179.3(MSH6):c.3156G>C (p.Glu1052Asp)

Gene: MSH6 (mutS homolog 6; plus strand). Cytogenetic location: 2p16.3.
Variant type: single nucleotide variant.
Coding change: c.3156G>C on transcript NM_000179.3 (MANE Select); coding-DNA position 3156, G replaced by C.
Protein change: p.Glu1052Asp; replaces glutamic acid 1052 with aspartic acid.
Molecular consequence: missense variant.
Genome position (GRCh38, 1-based): chr2:47,801,139, G>C. VCF-style: chr2-47801139-G-C. GRCh37 (hg19) VCF-style: chr2-48028278-G-C.
Other names: c.2766G>C, p.Glu922Asp (NM_001281492.2); c.2250G>C, p.Glu750Asp (NM_001281493.2, NM_001281494.2, NM_001406811.1 and 6 more transcripts); c.3252G>C, p.Glu1084Asp (NM_001406795.1, NM_001406802.1); c.3156G>C, p.Glu1052Asp (NM_001406796.1, NM_001406798.1, NM_001406800.1 and 2 more transcripts); c.2859G>C, p.Glu953Asp (NM_001406797.1, NM_001406801.1, NM_001406805.1 and 10 more transcripts); c.2631G>C, p.Glu877Asp (NM_001406799.1, NM_001406806.1, NM_001406807.1); c.3078G>C, p.Glu1026Asp (NM_001406804.1); c.3162G>C, p.Glu1054Asp (NM_001406813.1); and 2 more; short protein forms E1052D, E1054D, E877D, E922D, E1084D, E367D, E996D, E1026D.
Identifiers: ClinVar variation 1728240 (VCV001728240.4), dbSNP rs761277966, ClinGen allele CA346756719.
Genomic context (GRCh38, chr2:47,801,139, plus strand): 5'-CATGCGGCGACTGTTCTATAACTTTGATAAAAATTACAAGGACTGGCAGTCTGCTGTAGA[G>C]TGTATCGCAGTGTTGGGTAAGACTTTGAACAAGCTTGTTCTCAGGCTTTGATAAGTAGTG-3'
Protein context (NP_000170.1, residues 1042-1062): KNYKDWQSAV[Glu1052Asp]CIAVLDVLLC

ClinVar aggregate classification (germline): Uncertain significance. Review status: criteria provided, multiple submitters, no conflicts (2 of 4 stars). 3 submissions from 3 submitters: Uncertain significance (3). Last evaluated 2025-12-08.

Conditions:
Hereditary nonpolyposis colorectal neoplasms. Identifiers: MedGen C0009405, MeSH D003123.
Hereditary cancer-predisposing syndrome. Also called: Tumor predisposition; Neoplastic Syndromes, Hereditary; Hereditary Cancer Syndrome; Hereditary neoplastic syndrome. Identifiers: Orphanet 140162, MedGen C0027672, MeSH D009386, MONDO:0015356.

gnomAD v4.1: 5 of 1,610,808 alleles (0.00031%); highest among the groups gnomAD compares: Admixed American, 0.0017%; no homozygotes.

Submissions (3):

Labcorp Genetics (formerly Invitae), Labcorp
Classification: Uncertain significance for Hereditary nonpolyposis colorectal neoplasms. Last evaluated: 2025-12-08. Review status: criteria provided, single submitter. Criteria: Invitae Variant Classification Sherloc (09022015). Collection method: clinical testing. Allele origin: germline.
Comment: This sequence change replaces glutamic acid, which is acidic and polar, with aspartic acid, which is acidic and polar, at codon 1052 of the MSH6 protein (p.Glu1052Asp). This variant is present in population databases (no rsID available, gnomAD 0.003%). This variant has not been reported in the literature in individuals affected with MSH6-related conditions. ClinVar contains an entry for this variant (Variation ID: 1728240). Invitae Evidence Modeling of protein sequence and biophysical properties (such as structural, functional, and spatial information, amino acid conservation, physicochemical variation, residue mobility, and thermodynamic stability) indicates that this missense variant is not expected to disrupt MSH6 protein function with a negative predictive value of 95%. In summary, the available evidence is currently insufficient to determine the role of this variant in disease. Therefore, it has been classified as a Variant of Uncertain Significance.

Quest Diagnostics Nichols Institute San Juan Capistrano
Classification: Uncertain significance. Last evaluated: 2025-06-19. Review status: criteria provided, single submitter. Criteria: Quest Diagnostics criteria. Collection method: clinical testing. Allele origin: unknown.
Comment: The MSH6 c.3156G>C (p.Glu1052Asp) variant has not been reported in individuals with MSH6-related conditions in the published literature. It also has not been reported in large, multi-ethnic general populations (Genome Aggregation Database). Analysis of this variant using bioinformatics tools for the prediction of the effect of amino acid changes on protein structure and function yielded predictions that this variant is benign. Based on the available information, we are unable to determine the clinical significance of this variant.

Ambry Genetics
Classification: Uncertain significance for Hereditary cancer-predisposing syndrome. Last evaluated: 2019-05-20. Review status: criteria provided, single submitter. Criteria: Ambry Variant Classification Scheme 2023. Collection method: clinical testing. Allele origin: germline.
Comment: The p.E1052D variant (also known as c.3156G>C), located in coding exon 4 of the MSH6 gene, results from a G to C substitution at nucleotide position 3156. The glutamic acid at codon 1052 is replaced by aspartic acid, an amino acid with highly similar properties. This amino acid position is well conserved in available vertebrate species. In addition, this alteration is predicted to be tolerated by in silico analysis. In addition, the CoDP in silico tool predicts this alteration to have a minor impact on molecular function, with a score of 0.000 (Terui H et al. J. Biomed. Sci. 2013 Apr;20:25). Since supporting evidence is limited at this time, the clinical significance of this alteration remains unclear.